The following is an entry in ClinVar:

NM_017777.4(MKS1):c.645-2A>T

Gene: MKS1 (MKS transition zone complex subunit 1; minus strand). Cytogenetic location: 17q22.
Variant type: single nucleotide variant.
Coding change: c.645-2A>T on transcript NM_017777.4 (MANE Select); the canonical splice acceptor site of the intron before coding-DNA position 645, A replaced by T.
Molecular consequence: splice acceptor variant.
Genome position (GRCh38, 1-based): chr17:58,213,871, T>A on the plus strand (A>T on the coding strand, the complement: MKS1 is on the minus strand). VCF-style: chr17-58213871-T-A. GRCh37 (hg19) VCF-style: chr17-56291232-T-A.
Other names: c.36-2A>T (NM_001321268.2); c.645-2A>T (NM_001330397.2, NM_001321269.2, NM_001411113.1).
Identifiers: ClinVar variation 571828 (VCV000571828.10), dbSNP rs773036963, ClinGen allele CA8669446.

ClinVar aggregate classification (germline): Pathogenic/Likely pathogenic. Review status: criteria provided, multiple submitters, no conflicts (2 of 4 stars). 2 submissions from 2 submitters: Pathogenic (1); Likely pathogenic (1). Last evaluated 2024-11-27.

Conditions:
MKS1-related disorder. Also called: MKS1-related disorders; MKS1-related condition. Identifiers: MedGen CN239382.
Meckel-Gruber syndrome. Also called: DYSENCEPHALIA SPLANCHNOCYSTICA; GRUBER SYNDROME; Dysencephalia splachnocystica. Identifiers: Orphanet 564, MedGen C0265215, MONDO:0018921.
Joubert syndrome. Also called: Familial aplasia of the vermis; JOUBERT-BOLTSHAUSER SYNDROME. Identifiers: Orphanet 475, MedGen C5979921, MONDO:0018772.

Allele frequency attached by ClinVar (database versions not stated): gnomAD exomes below 0.00001; ExAC 0.00001.

Submissions (2):

PreventionGenetics, part of Exact Sciences
Classification: Likely pathogenic for MKS1-related condition. Last evaluated: 2024-11-27. Review status: criteria provided, single submitter. Criteria: ACMG Guidelines, 2015. Collection method: clinical testing. Allele origin: germline.
Comment: The MKS1 c.645-2A>T variant is predicted to disrupt the AG splice acceptor site and interfere with normal splicing. This variant has not been reported in the literature. This variant is reported in 0.0029% of alleles in individuals of Latino descent in gnomAD. Variants that disrupt the consensus splice acceptor site in MKS1 are expected to be pathogenic. This variant is interpreted as likely pathogenic.

Labcorp Genetics (formerly Invitae), Labcorp
Classification: Pathogenic for Joubert syndrome; Meckel-Gruber syndrome. Last evaluated: 2024-11-02. Review status: criteria provided, single submitter. Criteria: Invitae Variant Classification Sherloc (09022015). Collection method: clinical testing. Allele origin: germline.
Comment: This sequence change affects an acceptor splice site in intron 6 of the MKS1 gene. It is expected to disrupt RNA splicing. Variants that disrupt the donor or acceptor splice site typically lead to a loss of protein function (PMID: 16199547), and loss-of-function variants in MKS1 are known to be pathogenic (PMID: 19466712, 24886560, 26490104). This variant is present in population databases (rs773036963, gnomAD 0.003%). Disruption of this splice site has been observed in individual(s) with Joubert syndrome (internal data). ClinVar contains an entry for this variant (Variation ID: 571828). Algorithms developed to predict the effect of sequence changes on RNA splicing suggest that this variant may disrupt the consensus splice site. For these reasons, this variant has been classified as Pathogenic.

Literature cited by the submitters: PubMed 16199547 (cited by Labcorp Genetics (formerly Invitae), Labcorp); PubMed 19466712 (cited by Labcorp Genetics (formerly Invitae), Labcorp); PubMed 24886560 (cited by Labcorp Genetics (formerly Invitae), Labcorp); PubMed 26490104 (cited by Labcorp Genetics (formerly Invitae), Labcorp).